The following is an entry in ClinVar:

ClinVar aggregate classification (germline): Uncertain significance (1 of 4 stars; one submission).

Allele frequency attached by ClinVar (database versions not stated): gnomAD exomes below 0.00001 and 0.00001.
gnomAD v4.1: 1 of 1,204,236 alleles (0.000083%); highest among the groups gnomAD compares: Admixed American, 0.0022%; no homozygotes.

Submission:

GeneDx
Classification: Uncertain significance. Last evaluated: 2017-03-02. Review status: criteria provided, single submitter. Criteria: GeneDx Variant Classification (06012015). Collection method: clinical testing. Allele origin: germline. Affected: yes.
Comment: The V448A variant in the PHF8 gene has not been reported previously as a pathogenic variant, nor as a benign variant, to our knowledge. The V448A variant is not observed in large population cohorts (Lek et al., 2016; 1000 Genomes Consortium et al., 2015; Exome Variant Server). The V448A variant is a conservative amino acid substitution, which is not likely to impact secondary protein structure as these residues share similar properties. This substitution occurs at a position where amino acids with similar properties to Valine are tolerated across species. In silico analysis is inconsistent in its predictions as to whether or not the variant is damaging to the protein structure/function. We interpret V448A as a variant of uncertain significance.

NM_015107.3(PHF8):c.1343T>C (p.Val448Ala)

Gene: PHF8 (PHD finger protein 8; minus strand). Cytogenetic location: Xp11.22.
Variant type: single nucleotide variant.
Coding change: c.1343T>C on transcript NM_015107.3 (MANE Select); coding-DNA position 1343, T replaced by C.
Protein change: p.Val448Ala; replaces valine 448 with alanine.
Molecular consequence: missense variant. On other transcripts: intron variant (1).
Genome position (GRCh38, 1-based): chrX:53,993,884, A>G on the plus strand (T>C on the coding strand, the complement: PHF8 is on the minus strand). VCF-style: chrX-53993884-A-G. GRCh37 (hg19) VCF-style: chrX-54020317-A-G.
Other names: c.1451T>C, p.Val484Ala (NM_001184896.1); c.1343T>C, p.Val448Ala (NM_001184898.2); c.1324-1045T>C (NM_001184897.2); short protein forms V448A, V484A.
Identifiers: ClinVar variation 423906 (VCV000423906.2), dbSNP rs1064796692, ClinGen allele CA16621455.